The following is an entry in ClinVar:

ClinVar aggregate classification (germline): Uncertain significance. Review status: criteria provided, multiple submitters, no conflicts (2 of 4 stars). 2 submissions from 2 submitters: Uncertain significance (2). Last evaluated 2022-08-09.

Allele frequency attached by ClinVar (database versions not stated): gnomAD exomes below 0.00001; ExAC 0.00001; ESP Exome Variant Server 0.00009.

Submissions (2):

Labcorp Genetics (formerly Invitae), Labcorp
Classification: Uncertain significance. Last evaluated: 2022-08-09. Review status: criteria provided, single submitter. Criteria: Invitae Variant Classification Sherloc (09022015). Collection method: clinical testing. Allele origin: germline.
Comment: This sequence change falls in intron 7 of the SPEG gene. It does not directly change the encoded amino acid sequence of the SPEG protein. It affects a nucleotide within the consensus splice site. This variant is present in population databases (rs767298225, gnomAD 0.0009%). This variant has not been reported in the literature in individuals affected with SPEG-related conditions. ClinVar contains an entry for this variant (Variation ID: 1364348). Variants that disrupt the consensus splice site are a relatively common cause of aberrant splicing (PMID: 17576681, 9536098). Algorithms developed to predict the effect of sequence changes on RNA splicing suggest that this variant is not likely to affect RNA splicing. In summary, the available evidence is currently insufficient to determine the role of this variant in disease. Therefore, it has been classified as a Variant of Uncertain Significance.

Mayo Clinic Laboratories, Mayo Clinic
Classification: Uncertain significance. Last evaluated: 2021-09-30. Review status: criteria provided, single submitter. Criteria: ACMG Guidelines, 2015. Collection method: clinical testing. Allele origin: germline.

Literature cited by the submitters: PubMed 17576681 (cited by Labcorp Genetics (formerly Invitae), Labcorp); PubMed 9536098 (cited by Labcorp Genetics (formerly Invitae), Labcorp).

NM_005876.5(SPEG):c.2616+6del

Gene: SPEG (striated muscle enriched protein kinase; plus strand). Cytogenetic location: 2q35.
Variant type: Deletion.
Coding change: c.2616+6del on transcript NM_005876.5 (MANE Select); 6 bases into the intron after coding-DNA position 2616, one base deleted (A; older notation c.2616+6delA).
Molecular consequence: intron variant.
Genome position (GRCh38, 1-based): chr2:219,462,063, A deleted. VCF-style (leftmost placement, unchanged base first): chr2-219462062-GA-G. GRCh37 (hg19) VCF-style: chr2-220326784-GA-G.
Other names: c.69+6del (NM_001173476.2).
Identifiers: ClinVar variation 1364348 (VCV001364348.6), dbSNP rs767298225, ClinGen allele CA2125891.